The following is an entry in ClinVar:

ClinVar aggregate classification (germline): Pathogenic (1 of 4 stars; one submission).

Conditions:
Marfan syndrome (MFS). Also called: MARFAN SYNDROME, TYPE I; Marfan syndrome type 1; Marfan's syndrome; Marfan syndrome, classic; FBN1-Related Marfan Syndrome. Identifiers: Orphanet 284963, Orphanet 558, MedGen C0024796, MONDO:0007947, OMIM 154700.
Familial thoracic aortic aneurysm and aortic dissection (TAAD). Also called: Thoracic aortic aneurysms and dissections. Identifiers: Orphanet 91387, MedGen C4707243, MONDO:0019625.

Submission:

Labcorp Genetics (formerly Invitae), Labcorp
Classification: Pathogenic for Marfan syndrome; Familial thoracic aortic aneurysm and aortic dissection. Last evaluated: 2023-01-15. Review status: criteria provided, single submitter. Criteria: Invitae Variant Classification Sherloc (09022015). Collection method: clinical testing. Allele origin: germline.
Comment: This variant is not present in population databases (gnomAD no frequency). For these reasons, this variant has been classified as Pathogenic. This variant has not been reported in the literature in individuals affected with FBN1-related conditions. This sequence change creates a premature translational stop signal (p.Thr1522Asnfs*7) in the FBN1 gene. It is expected to result in an absent or disrupted protein product. Loss-of-function variants in FBN1 are known to be pathogenic (PMID: 17657824, 19293843).

Literature cited by the submitters: PubMed 17657824; PubMed 19293843.

NM_000138.5(FBN1):c.4562dup (p.Thr1522fs)

Gene: FBN1 (fibrillin 1; minus strand). Cytogenetic location: 15q21.1.
Variant type: Duplication.
Coding change: c.4562dup on transcript NM_000138.5 (MANE Select); coding-DNA position 4562, one base duplicated (C; older notation c.4562dupC).
Protein change: p.Thr1522fs; shifts the reading frame from threonine 1522.
Molecular consequence: frameshift variant.
Genome position (GRCh38, 1-based): chr15:48,468,432, G duplicated on the plus strand (C on the coding strand, the reverse complement: FBN1 is on the minus strand); the first of 3 consecutive G bases (chr15:48,468,432-48,468,434); duplicating any one gives the same sequence. VCF-style (leftmost placement, unchanged base first): chr15-48468431-T-TG. GRCh37 (hg19) VCF-style: chr15-48760628-T-TG.
Other names: c.4562dup, p.Thr1522fs (NM_001406716.1); short protein forms T1522fs.
Identifiers: ClinVar variation 2943232 (VCV002943232.3), dbSNP rs886039035, ClinGen allele CA2740096589.